The following is an entry in ClinVar:

NM_004544.4(NDUFA10):c.878_879inv (p.His293Arg)

Gene: NDUFA10 (NADH:ubiquinone oxidoreductase subunit A10; minus strand). Cytogenetic location: 2q37.3.
Variant type: Inversion.
Coding change: c.878_879inv on transcript NM_004544.4 (MANE Select).
Protein change: p.His293Arg; replaces histidine 293 with arginine.
Molecular consequence: missense variant. On other transcripts: non-coding transcript variant (4).
Genome position: GRCh38 VCF-style: chr2-240005221-GT-AC. GRCh37 (hg19) VCF-style: chr2-240944638-GT-AC.
Other names: c.878_879inv, p.His293Arg (NM_001322019.2, NM_001322020.2); c.878_879invAC, p.His293Arg (NM_001410987.1); short protein forms H293R.
Identifiers: ClinVar variation 1962861 (VCV001962861.5), ClinGen allele CA2580067969.
Genomic context (GRCh38, chr2:240,005,221, plus strand): 5'-ATGCAAGTAGACCCCAGACATGCAGCAGCCCCCACACAGATGCACTTACAGTAATCGCAG[GT>AC]GGTATAAAGTGCGATTGTCCTGCTTGAGCCACGGCCCTTTATCGAACTTCAGGTATTCAA-3'
Protein context (NP_004535.1, residues 283-303): WLKQDNRTLY[His293Arg]LRLLVQDKFE

ClinVar aggregate classification (germline): Uncertain significance (1 of 4 stars; one submission).

Submission:

Labcorp Genetics (formerly Invitae), Labcorp
Classification: Uncertain significance. Last evaluated: 2022-04-16. Review status: criteria provided, single submitter. Criteria: Invitae Variant Classification Sherloc (09022015). Collection method: clinical testing. Allele origin: germline.
Comment: In summary, the available evidence is currently insufficient to determine the role of this variant in disease. Therefore, it has been classified as a Variant of Uncertain Significance. Algorithms developed to predict the effect of missense changes on protein structure and function are either unavailable or do not agree on the potential impact of this missense change (SIFT: "Not Available"; PolyPhen-2: "Benign"; Align-GVGD: "Not Available"). This variant has not been reported in the literature in individuals affected with NDUFA10-related conditions. This variant is present in population databases (no rsID available, gnomAD 0.04%). This sequence change replaces histidine, which is basic and polar, with arginine, which is basic and polar, at codon 293 of the NDUFA10 protein (p.His293Arg).